The following is an entry in ClinVar:

ClinVar aggregate classification (germline): Conflicting classifications of pathogenicity. Review status: criteria provided, conflicting classifications (1 of 4 stars). 2 submissions from 2 submitters: Uncertain significance (1); Likely benign (1). Last evaluated 2024-12-03.

Conditions:
Inborn genetic diseases. Identifiers: MedGen C0950123, MeSH D030342.

Allele frequency attached by ClinVar (database versions not stated): gnomAD 0.00001; gnomAD exomes 0.00002; TOPMed 0.00002; ExAC 0.00003.
gnomAD v4.1: 15 of 1,612,838 alleles (0.00093%); highest among the groups gnomAD compares: East Asian, 0.02%; no homozygotes.

Submissions (2):

Ambry Genetics
Classification: Likely benign for Inborn genetic diseases. Last evaluated: 2024-12-03. Review status: criteria provided, single submitter. Criteria: Ambry Variant Classification Scheme 2023. Collection method: clinical testing. Allele origin: germline.

Athena Diagnostics
Classification: Uncertain significance. Last evaluated: 2023-01-18. Review status: criteria provided, single submitter. Criteria: Athena Diagnostics Criteria. Collection method: clinical testing. Allele origin: unknown.
Comment: Available data are insufficient to determine the clinical significance of the variant at this time. The frequency of this variant in the general population is uninformative in assessment of its pathogenicity. Computational tools predict that this variant is not damaging.

NM_016239.4(MYO15A):c.3259G>A (p.Ala1087Thr)

Gene: MYO15A (myosin XVA; plus strand). Cytogenetic location: 17p11.2.
Variant type: single nucleotide variant.
Coding change: c.3259G>A on transcript NM_016239.4 (MANE Select); coding-DNA position 3259, G replaced by A.
Protein change: p.Ala1087Thr; replaces alanine 1087 with threonine.
Molecular consequence: missense variant.
Genome position (GRCh38, 1-based): chr17:18,122,059, G>A. VCF-style: chr17-18122059-G-A. GRCh37 (hg19) VCF-style: chr17-18025373-G-A.
Other names: short protein forms A1087T.
Identifiers: ClinVar variation 1807049 (VCV001807049.3), dbSNP rs768363883, ClinGen allele CA8423413.